The following is an entry in ClinVar:

NM_001009944.3(PKD1):c.7376G>A (p.Gly2459Asp)

Gene: PKD1 (polycystin 1, transient receptor potential channel interacting; minus strand). Cytogenetic location: 16p13.3.
Variant type: single nucleotide variant.
Coding change: c.7376G>A on transcript NM_001009944.3 (MANE Select); coding-DNA position 7376, G replaced by A.
Protein change: p.Gly2459Asp; replaces glycine 2459 with aspartic acid.
Molecular consequence: missense variant.
Genome position (GRCh38, 1-based): chr16:2,106,511, C>T on the plus strand (G>A on the coding strand, the complement: PKD1 is on the minus strand). VCF-style: chr16-2106511-C-T. GRCh37 (hg19) VCF-style: chr16-2156512-C-T.
Other names: c.7376G>A, p.Gly2459Asp (NM_000296.4); short protein forms G2459D.
Identifiers: ClinVar variation 3253328 (VCV003253328.2), dbSNP rs2544780975.

ClinVar aggregate classification (germline): Uncertain significance. Review status: criteria provided, multiple submitters, no conflicts (2 of 4 stars). 2 submissions from 2 submitters: Uncertain significance (2). Last evaluated 2025-11-11.

Submissions (2):

Women's Health and Genetics/Laboratory Corporation of America, LabCorp
Classification: Uncertain significance. Last evaluated: 2025-11-11. Review status: criteria provided, single submitter. Criteria: LabCorp Variant Classification Summary - May 2015. Collection method: clinical testing. Allele origin: germline.
Comment: Variant summary: PKD1 c.7376G>A (p.Gly2459Asp) results in a non-conservative amino acid change in the encoded protein sequence. Algorithms developed to predict the effect of missense changes on protein structure and function are either unavailable or do not agree on the potential impact of this missense change. The variant was absent in 222616 control chromosomes. c.7376G>A has been observed in individual(s) affected with dominant polycystic kidney disease. These data indicate that the variant may be associated with disease. To our knowledge, no experimental evidence demonstrating an impact on protein function has been reported. The following publications have been ascertained in the context of this evaluation (PMID: 22508176, 26823553, 34136434). ClinVar contains an entry for this variant (Variation ID: 3253328). Based on the evidence outlined above, the variant was classified as VUS-possibly pathogenic.

GeneDx
Classification: Uncertain significance. Last evaluated: 2023-06-16. Review status: criteria provided, single submitter. Criteria: GeneDx Variant Classification Process June 2021. Collection method: clinical testing. Allele origin: germline. Affected: yes.
Comment: Not observed at significant frequency in large population cohorts (gnomAD); In silico analysis supports that this missense variant has a deleterious effect on protein structure/function; This variant is associated with the following publications: (PMID: 22508176, 23431072, 34136434)

Literature cited by the submitters: PubMed 34136434 (cited by Women's Health and Genetics/Laboratory Corporation of America, LabCorp); PubMed 22508176 (cited by Women's Health and Genetics/Laboratory Corporation of America, LabCorp); PubMed 26823553 (cited by Women's Health and Genetics/Laboratory Corporation of America, LabCorp).